The following is an entry in ClinVar:

ClinVar aggregate classification (germline): Pathogenic. Review status: criteria provided, multiple submitters, no conflicts (2 of 4 stars). 3 submissions from 3 submitters: Pathogenic (3). Last evaluated 2026-03-11.

Conditions:
Hereditary cancer-predisposing syndrome. Also called: Tumor predisposition; Hereditary Cancer Syndrome; Hereditary neoplastic syndrome; Neoplastic Syndromes, Hereditary. Identifiers: Orphanet 140162, MedGen C0027672, MeSH D009386, MONDO:0015356.
Hereditary diffuse gastric adenocarcinoma (HDGC). Also called: DIFFUSE GASTRIC AND LOBULAR BREAST CANCER SYNDROME. Identifiers: Orphanet 26106, MedGen C1708349, MONDO:0007648, OMIM 137215.

gnomAD v4.1: 1 of 1,614,142 alleles (0.000062%); no homozygotes.

Submissions (3):

Ambry Genetics
Classification: Pathogenic for Hereditary cancer-predisposing syndrome. Last evaluated: 2026-03-11. Review status: criteria provided, single submitter. Criteria: Ambry Variant Classification Scheme 2023. Collection method: clinical testing. Allele origin: germline.
Comment: The p.E608* pathogenic mutation (also known as c.1822G>T), located in coding exon 12 of the CTNNA1 gene, results from a G to T substitution at nucleotide position 1822. This changes the amino acid from a glutamic acid to a stop codon within coding exon 12. This variant is considered to be rare based on population cohorts in the Genome Aggregation Database (gnomAD). This alteration is expected to result in loss of function by premature protein truncation or nonsense-mediated mRNA decay. As such, this alteration is interpreted as a disease-causing mutation.

Labcorp Genetics (formerly Invitae), Labcorp
Classification: Pathogenic. Last evaluated: 2025-10-07. Review status: criteria provided, single submitter. Criteria: Invitae Variant Classification Sherloc (09022015). Collection method: clinical testing. Allele origin: germline.
Comment: This sequence change creates a premature translational stop signal (p.Glu608*) in the CTNNA1 gene. It is expected to result in an absent or disrupted protein product. Loss-of-function variants in CTNNA1 are known to be pathogenic (PMID: 32051609, 34425242). This variant is not present in population databases (gnomAD no frequency). This variant has not been reported in the literature in individuals affected with CTNNA1-related conditions. ClinVar contains an entry for this variant (Variation ID: 2673300). For these reasons, this variant has been classified as Pathogenic.

Myriad Genetics, Inc.
Classification: Pathogenic for Hereditary diffuse gastric adenocarcinoma. Last evaluated: 2023-07-05. Review status: criteria provided, single submitter. Criteria: Myriad Autosomal Dominant, Autosomal Recessive and X-Linked Classification Criteria (2023). Collection method: clinical testing. Allele origin: unknown.
Comment: This variant is considered pathogenic. This variant creates a termination codon and is predicted to result in premature protein truncation.

Literature cited by the submitters: PubMed 32051609 (cited by Labcorp Genetics (formerly Invitae), Labcorp); PubMed 34425242 (cited by Labcorp Genetics (formerly Invitae), Labcorp).

NM_001903.5(CTNNA1):c.1822G>T (p.Glu608Ter)

Gene: CTNNA1 (catenin alpha 1; plus strand). Cytogenetic location: 5q31.2.
Variant type: single nucleotide variant.
Coding change: c.1822G>T on transcript NM_001903.5 (MANE Select); coding-DNA position 1822, G replaced by T.
Protein change: p.Glu608Ter; replaces glutamic acid 608 with a stop codon.
Molecular consequence: nonsense.
Genome position (GRCh38, 1-based): chr5:138,925,330, G>T. VCF-style: chr5-138925330-G-T. GRCh37 (hg19) VCF-style: chr5-138261019-G-T.
Other names: c.712G>T, p.Glu238Ter (NM_001324002.1, NM_001324003.1, NM_001324004.1 and 17 more transcripts); c.373G>T, p.Glu125Ter (NM_001324006.1, NM_001324007.1, NM_001324008.1 and 2 more transcripts); c.619G>T, p.Glu207Ter (NM_001324011.1); c.469G>T, p.Glu157Ter (NM_001324012.1, NM_001324013.1); c.1822G>T, p.Glu608Ter (NM_001290307.3, NM_001323982.2, NM_001323983.1 and 2 more transcripts); c.1513G>T, p.Glu505Ter (NM_001290309.3); c.1453G>T, p.Glu485Ter (NM_001290310.3); c.1729G>T, p.Glu577Ter (NM_001323986.2); and 1 more; short protein forms E125*, E157*, E207*, E238*, E485*, E505*, E577*, E608*.
Identifiers: ClinVar variation 2673300 (VCV002673300.3), dbSNP rs2150295101, ClinGen allele CA361132279.